The following is an entry in ClinVar:

NM_170707.4(LMNA):c.145G>C (p.Val49Leu)

Gene: LMNA (lamin A/C; plus strand). Cytogenetic location: 1q22.
Variant type: single nucleotide variant.
Coding change: c.145G>C on transcript NM_170707.4 (MANE Select); coding-DNA position 145, G replaced by C.
Protein change: p.Val49Leu; replaces valine 49 with leucine.
Molecular consequence: missense variant.
Genome position (GRCh38, 1-based): chr1:156,115,063, G>C. VCF-style: chr1-156115063-G-C. GRCh37 (hg19) VCF-style: chr1-156084854-G-C.
Other names: c.145G>C, p.Val49Leu (NM_001282625.2, NM_001282626.2, NM_005572.4 and 1 more transcripts); short protein forms V49L.
Identifiers: ClinVar variation 246300 (VCV000246300.2), dbSNP rs879254200, ClinGen allele CA10584110.

ClinVar aggregate classification (germline): Uncertain significance (1 of 4 stars; one submission).

Submission:

GeneDx
Classification: Uncertain significance. Last evaluated: 2016-01-06. Review status: criteria provided, single submitter. Criteria: GeneDx Variant Classification (06012015). Collection method: clinical testing. Allele origin: germline. Affected: yes.
Comment: The V49L variant has not been published as a pathogenic variant, nor has it been reported as a benign variant to our knowledge. This variant was not observed in approximately 6,500 individuals of European and African American ancestry in the NHLBI Exome Sequencing Project, indicating it is not a common benign variant in these populations. Multiple missense variants in nearby residues (D47Y, D47H, R48P, R50S, R50P, L52V, L52P) have been reported in the Human Gene Mutation Database in association with LMNA-related disorders (Stenson et al., 2014), supporting the functional importance of this region of the protein. This substitution occurs at a position that is conserved across species and in silico analysis predicts this variant is probably damaging to the protein structure/function. However, the V49L variant is a conservative amino acid substitution, which is not likely to impact secondary protein structure as these residues share similar properties. Therefore, based on the currently available information, it is unclear whether this variant is pathogenic or benign.